The following is an entry in ClinVar:

NM_000545.8(HNF1A):c.492del (p.Trp165fs)

Gene: HNF1A (HNF1 homeobox A; plus strand). Cytogenetic location: 12q24.31.
Variant type: Deletion.
Coding change: c.492del on transcript NM_000545.8 (MANE Select); coding-DNA position 492, one base deleted (C; older notation c.492delC).
Protein change: p.Trp165fs; shifts the reading frame from tryptophan 165.
Molecular consequence: frameshift variant.
Genome position (GRCh38, 1-based): chr12:120,988,998, C deleted; the last of 2 consecutive C bases (chr12:120,988,997-120,988,998); deleting either gives the same sequence. VCF-style (leftmost placement, unchanged base first): chr12-120988996-AC-A. GRCh37 (hg19) VCF-style: chr12-121426799-AC-A.
Other names: c.492delC (NM_000545.8); c.492del, p.Trp165fs (NM_001306179.2, NM_001406915.1); short protein forms W165fs.
Identifiers: ClinVar variation 4719355 (VCV004719355.2).

ClinVar aggregate classification (germline): Pathogenic. Review status: criteria provided, multiple submitters, no conflicts (2 of 4 stars). 2 submissions from 2 submitters: Pathogenic (2). Last evaluated 2026-03-09.

Conditions:
Maturity-onset diabetes of the young (MODY). Also called: Maturity onset diabetes mellitus in young. Identifiers: Orphanet 552, MedGen C0342276, MONDO:0018911, HP:0004904.

Submissions (2):

Women's Health and Genetics/Laboratory Corporation of America, LabCorp
Classification: Pathogenic for Maturity-onset diabetes of the young. Last evaluated: 2026-03-09. Review status: criteria provided, single submitter. Criteria: LabCorp Variant Classification Summary - May 2015. Collection method: clinical testing. Allele origin: germline.
Comment: Variant summary: HNF1A c.492delC (p.Trp165GlyfsX21) results in a premature termination codon, predicted to cause a truncation of the encoded protein or absence of the protein due to nonsense mediated decay, which are commonly known mechanisms for disease. The variant was absent in 251310 control chromosomes. To our knowledge, no occurrence of c.492delC in individuals affected with HNF1A-related conditions and no experimental evidence demonstrating its impact on protein function have been reported. No submitters have cited clinical-significance assessments for this variant to ClinVar. Based on the evidence outlined above, the variant was classified as pathogenic.

Labcorp Genetics (formerly Invitae), Labcorp
Classification: Pathogenic. Last evaluated: 2025-07-08. Review status: criteria provided, single submitter. Criteria: Invitae Variant Classification Sherloc (09022015). Collection method: clinical testing. Allele origin: germline.
Comment: This sequence change creates a premature translational stop signal (p.Trp165Glyfs*21) in the HNF1A gene. It is expected to result in an absent or disrupted protein product. Loss-of-function variants in HNF1A are known to be pathogenic (PMID: 15928245, 18003757). This variant is not present in population databases (gnomAD no frequency). This premature translational stop signal has been observed in individual(s) with HNF1A-related conditions (PMID: 36504295). For these reasons, this variant has been classified as Pathogenic.

Literature cited by the submitters: PubMed 15928245 (cited by Labcorp Genetics (formerly Invitae), Labcorp); PubMed 18003757 (cited by Labcorp Genetics (formerly Invitae), Labcorp); PubMed 36504295 (cited by Labcorp Genetics (formerly Invitae), Labcorp).